The following is an entry in ClinVar:

NM_014844.5(TECPR2):c.1128C>T (p.His376=)

Gene: TECPR2 (tectonin beta-propeller repeat containing 2; plus strand). Cytogenetic location: 14q32.31.
Variant type: single nucleotide variant.
Coding change: c.1128C>T on transcript NM_014844.5 (MANE Select); coding-DNA position 1128, C replaced by T.
Protein change: p.His376=; no amino-acid change (histidine 376 retained).
Molecular consequence: synonymous variant.
Genome position (GRCh38, 1-based): chr14:102,431,839, C>T. VCF-style: chr14-102431839-C-T. GRCh37 (hg19) VCF-style: chr14-102898176-C-T.
Other names: c.1128C>T, p.His376= (NM_001172631.3).
Identifiers: ClinVar variation 699943 (VCV000699943.35), dbSNP rs146157601, ClinGen allele CA7357648.

ClinVar aggregate classification (germline): Likely benign. Review status: criteria provided, multiple submitters, no conflicts (2 of 4 stars). 2 submissions from 2 submitters: Likely benign (2). Last evaluated 2026-01-29.

Conditions:
Hereditary spastic paraplegia 49 (HSAN9). Also called: Spastic paraplegia 49, autosomal recessive; TECPR2-Related Hereditary Sensory and Autonomic Neuropathy with Intellectual Disability; NEUROPATHY, HEREDITARY SENSORY AND AUTONOMIC, TYPE IX, WITH DEVELOPMENTAL DELAY. Identifiers: Orphanet 320385, MedGen C5190860, MONDO:0014016, OMIM 615031.

Allele frequency attached by ClinVar (database versions not stated): gnomAD 0.00009 and 0.00011; ExAC 0.00010; gnomAD exomes 0.00011 and 0.00023; TOPMed 0.00012; ESP Exome Variant Server 0.00015; 1000 Genomes Project 0.00040; 1000 Genomes Project 30x 0.00047.
gnomAD v4.1: 346 of 1,596,582 alleles (0.022%); highest among the groups gnomAD compares: Non-Finnish European, 0.028%; no homozygotes.

Submissions (2):

Labcorp Genetics (formerly Invitae), Labcorp
Classification: Likely benign for Hereditary spastic paraplegia 49. Last evaluated: 2026-01-29. Review status: criteria provided, single submitter. Criteria: Invitae Variant Classification Sherloc (09022015). Collection method: clinical testing. Allele origin: germline.

CeGaT Center for Human Genetics Tuebingen
Classification: Likely benign. Last evaluated: 2022-05-01. Review status: criteria provided, single submitter. Criteria: CeGaT Center For Human Genetics Tuebingen Variant Classification Criteria Version 2. Collection method: clinical testing. Allele origin: germline. Affected: yes. Observed: 1 variant allele.
Comment: TECPR2: BP4, BP7